The following is an entry in ClinVar:

NM_018669.6(WDR4):c.1178C>T (p.Pro393Leu)

Gene: WDR4 (WDR4 tRNA N7-guanosine methyltransferase non-catalytic subunit; minus strand). Cytogenetic location: 21q22.3.
Variant type: single nucleotide variant.
Coding change: c.1178C>T on transcript NM_018669.6 (MANE Select); coding-DNA position 1178, C replaced by T.
Protein change: p.Pro393Leu; replaces proline 393 with leucine.
Molecular consequence: missense variant. On other transcripts: non-coding transcript variant (1).
Genome position (GRCh38, 1-based): chr21:42,850,110, G>A on the plus strand (C>T on the coding strand, the complement: WDR4 is on the minus strand). VCF-style: chr21-42850110-G-A. GRCh37 (hg19) VCF-style: chr21-44270220-G-A.
Other names: c.1175C>T, p.Pro392Leu (NM_001260474.2); c.740C>T, p.Pro247Leu (NM_001260475.2, NM_001260476.2, NM_001260477.2); c.1178C>T, p.Pro393Leu (NM_033661.5); c.1178C>T (NM_018669.4); short protein forms P247L, P393L, P392L.
Identifiers: ClinVar variation 1441087 (VCV001441087.9), dbSNP rs765182735, ClinGen allele CA10045764.

ClinVar aggregate classification (germline): Uncertain significance. Review status: criteria provided, multiple submitters, no conflicts (2 of 4 stars). 2 submissions from 2 submitters: Uncertain significance (2). Last evaluated 2025-03-03.

Conditions:
Inborn genetic diseases. Identifiers: MedGen C0950123, MeSH D030342.

Allele frequency attached by ClinVar (database versions not stated): gnomAD 0.00002; ExAC 0.00005.
gnomAD v4.1: 27 of 1,613,890 alleles (0.0017%); highest among the groups gnomAD compares: South Asian, 0.016%; no homozygotes.

Submissions (2):

Labcorp Genetics (formerly Invitae), Labcorp
Classification: Uncertain significance. Last evaluated: 2025-03-03. Review status: criteria provided, single submitter. Criteria: Invitae Variant Classification Sherloc (09022015). Collection method: clinical testing. Allele origin: germline.
Comment: This sequence change replaces proline, which is neutral and non-polar, with leucine, which is neutral and non-polar, at codon 393 of the WDR4 protein (p.Pro393Leu). This variant is present in population databases (rs765182735, gnomAD 0.02%). This variant has not been reported in the literature in individuals affected with WDR4-related conditions. ClinVar contains an entry for this variant (Variation ID: 1441087). An algorithm developed to predict the effect of missense changes on protein structure and function outputs the following: PolyPhen-2: "Benign". The leucine amino acid residue is found in multiple mammalian species, which suggests that this missense change does not adversely affect protein function. In summary, the available evidence is currently insufficient to determine the role of this variant in disease. Therefore, it has been classified as a Variant of Uncertain Significance.

Ambry Genetics
Classification: Uncertain significance for Inborn genetic diseases. Last evaluated: 2023-02-16. Review status: criteria provided, single submitter. Criteria: Ambry Variant Classification Scheme 2023. Collection method: clinical testing. Allele origin: germline.